The following is an entry in ClinVar:

ClinVar aggregate classification (germline): Uncertain significance (1 of 4 stars; one submission).

Submission:

Labcorp Genetics (formerly Invitae), Labcorp
Classification: Uncertain significance. Last evaluated: 2025-03-31. Review status: criteria provided, single submitter. Criteria: Invitae Variant Classification Sherloc (09022015). Collection method: clinical testing. Allele origin: germline.
Comment: This sequence change creates a premature translational stop signal (p.Arg117Alafs*42) in the KCNK4 gene. It is expected to result in an absent or disrupted protein product. However, the current clinical and genetic evidence is not sufficient to establish whether loss-of-function variants in KCNK4 cause disease. This variant is present in population databases (no rsID available, gnomAD 0.01%). This variant has not been reported in the literature in individuals affected with KCNK4-related conditions. ClinVar contains an entry for this variant (Variation ID: 2908791). In summary, the available evidence is currently insufficient to determine the role of this variant in disease. Therefore, it has been classified as a Variant of Uncertain Significance.

NM_033310.3(KCNK4):c.348del (p.Arg117fs)

Genes: KCNK4 (potassium two pore domain channel subfamily K member 4; plus strand), KCNK4-CATSPERZ (KCNK4-CATSPERZ readthrough (NMD candidate); plus strand). Cytogenetic location: 11q13.1.
Variant type: Deletion.
Coding change: c.348del on transcript NM_033310.3 (MANE Select); coding-DNA position 348, one base deleted (G; older notation c.348delG).
Protein change: p.Arg117fs; shifts the reading frame from arginine 117.
Molecular consequence: frameshift variant. On other transcripts: non-coding transcript variant (3).
Genome position (GRCh38, 1-based): chr11:64,297,153, G deleted; the last of 3 consecutive G bases (chr11:64,297,151-64,297,153); deleting any one gives the same sequence. VCF-style (leftmost placement, unchanged base first): chr11-64297150-CG-C. GRCh37 (hg19) VCF-style: chr11-64064622-CG-C.
Other names: c.348del, p.Arg117fs (NM_001317090.2); c.348delG, p.Arg117Alafs (NM_033311.1); short protein forms R117fs.
Identifiers: ClinVar variation 2908791 (VCV002908791.3), dbSNP rs1418721697, ClinGen allele CA599801658.